The following is an entry in ClinVar:

ClinVar aggregate classification (germline): Uncertain significance. Review status: criteria provided, multiple submitters, no conflicts (2 of 4 stars). 3 submissions from 3 submitters: Uncertain significance (3). Last evaluated 2024-02-24.

Conditions:
Osteogenesis imperfecta type 8 (OI8). Identifiers: MedGen C1970458, MONDO:0012581, OMIM 610915.

Submissions (3):

Labcorp Genetics (formerly Invitae), Labcorp
Classification: Uncertain significance for Osteogenesis imperfecta type 8. Last evaluated: 2024-02-24. Review status: criteria provided, single submitter. Criteria: Invitae Variant Classification Sherloc (09022015). Collection method: clinical testing. Allele origin: germline.
Comment: This sequence change replaces threonine, which is neutral and polar, with serine, which is neutral and polar, at codon 508 of the P3H1 protein (p.Thr508Ser). This variant is not present in population databases (gnomAD no frequency). This variant has not been reported in the literature in individuals affected with P3H1-related conditions. ClinVar contains an entry for this variant (Variation ID: 597020). Advanced modeling of protein sequence and biophysical properties (such as structural, functional, and spatial information, amino acid conservation, physicochemical variation, residue mobility, and thermodynamic stability) performed at Invitae indicates that this missense variant is not expected to disrupt P3H1 protein function with a negative predictive value of 80%. In summary, the available evidence is currently insufficient to determine the role of this variant in disease. Therefore, it has been classified as a Variant of Uncertain Significance.

Genome-Nilou Lab
Classification: Uncertain significance for Osteogenesis imperfecta type 8. Last evaluated: 2023-04-11. Review status: criteria provided, single submitter. Criteria: ACMG Guidelines, 2015. Collection method: clinical testing. Allele origin: germline. Affected: no.

Eurofins Ntd Llc (ga)
Classification: Uncertain significance. Last evaluated: 2018-05-21. Review status: criteria provided, single submitter. Criteria: EGL ClinVar v180209 classification definitions. Collection method: clinical testing. Allele origin: germline. Observed: 1 variant allele, 1 heterozygote.

NM_022356.4(P3H1):c.1523C>G (p.Thr508Ser)

Gene: P3H1 (prolyl 3-hydroxylase 1; minus strand). Cytogenetic location: 1p34.2.
Variant type: single nucleotide variant.
Coding change: c.1523C>G on transcript NM_022356.4 (MANE Select); coding-DNA position 1523, C replaced by G.
Protein change: p.Thr508Ser; replaces threonine 508 with serine.
Molecular consequence: missense variant.
Genome position (GRCh38, 1-based): chr1:42,752,320, G>C on the plus strand (C>G on the coding strand, the complement: P3H1 is on the minus strand). VCF-style: chr1-42752320-G-C. GRCh37 (hg19) VCF-style: chr1-43217991-G-C.
Other names: c.1523C>G, p.Thr508Ser (NM_001146289.2, NM_001243246.2); short protein forms T508S.
Identifiers: ClinVar variation 597020 (VCV000597020.10), dbSNP rs759787229, ClinGen allele CA339955598.